The following is an entry in ClinVar:

NM_003000.3(SDHB):c.73G>C (p.Ala25Pro)

Gene: SDHB (succinate dehydrogenase complex iron sulfur subunit B; minus strand). Cytogenetic location: 1p36.13.
Variant type: single nucleotide variant.
Coding change: c.73G>C on transcript NM_003000.3 (MANE Select); coding-DNA position 73, G replaced by C.
Protein change: p.Ala25Pro; replaces alanine 25 with proline.
Molecular consequence: missense variant.
Genome position (GRCh38, 1-based): chr1:17,044,888, C>G on the plus strand (G>C on the coding strand, the complement: SDHB is on the minus strand). VCF-style: chr1-17044888-C-G. GRCh37 (hg19) VCF-style: chr1-17371383-C-G.
Other names: short protein forms A25P.
Identifiers: ClinVar variation 459170 (VCV000459170.11), dbSNP rs768101924, ClinGen allele CA089744.
Genomic context (GRCh38, chr1:17,044,888, plus strand): 5'-AGATGGCAAATTTCTTGATACGGGGAGCTGTGGCTGCAGCTGTCTGGGCTCCTCGGGAGG[C>G]CTGAAATTTTTTAAAGTTCACAAAAAGGAAAAAAAAATTAGAAATACAAGATAATTCCAT-3'
Protein context (NP_002991.2, residues 15-35): ATTLGGACLQ[Ala25Pro]SRGAQTAAAT

ClinVar aggregate classification (germline): Uncertain significance. Review status: criteria provided, multiple submitters, no conflicts (2 of 4 stars). 2 submissions from 2 submitters: Uncertain significance (2). Last evaluated 2025-12-05.

Conditions:
Hereditary cancer-predisposing syndrome. Also called: Tumor predisposition; Hereditary neoplastic syndrome; Neoplastic Syndromes, Hereditary; Hereditary Cancer Syndrome. Identifiers: Orphanet 140162, MedGen C0027672, MeSH D009386, MONDO:0015356.
Pheochromocytoma. Also called: MAX-Related Hereditary Paraganglioma-Pheochromocytoma Syndrome. Identifiers: Orphanet 29072, MedGen C0031511, MONDO:0008233, OMIM 171300, HP:0002666.
Pheochromocytoma/paraganglioma syndrome 4. Also called: SDHB-Related Hereditary Paraganglioma-Pheochromocytoma Syndrome (Paragangliomas 4); CAROTID BODY TUMORS AND MULTIPLE EXTRAADRENAL PHEOCHROMOCYTOMAS; PARAGANGLIOMA, FAMILIAL MALIGNANT; PARAGANGLIOMAS, HEREDITARY EXTRAADRENAL; SDHB-Related Hereditary Paraganglioma-Pheochromocytoma Syndrome; PHEOCHROMOCYTOMA, FAMILIAL EXTRAADRENAL. Identifiers: Orphanet 29072, MedGen C1861848, MONDO:0007273, OMIM 115310.
Gastrointestinal stromal tumor. Also called: Gastrointestinal stroma tumor; Gastrointestinal stromal tumor, somatic. Identifiers: Orphanet 44890, MedGen C0238198, MeSH D046152, MONDO:0011719, OMIM 606764, HP:0100723.

Allele frequency attached by ClinVar (database versions not stated): TOPMed 0.00001.
gnomAD v4.1: 6 of 1,613,050 alleles (0.00037%); highest among the groups gnomAD compares: Admixed American, 0.0017%; no homozygotes.

Submissions (2):

Labcorp Genetics (formerly Invitae), Labcorp
Classification: Uncertain significance for Gastrointestinal stromal tumor; Pheochromocytoma/paraganglioma syndrome 4; Pheochromocytoma. Last evaluated: 2025-12-05. Review status: criteria provided, single submitter. Criteria: Invitae Variant Classification Sherloc (09022015). Collection method: clinical testing. Allele origin: germline.
Comment: This sequence change replaces alanine, which is neutral and non-polar, with proline, which is neutral and non-polar, at codon 25 of the SDHB protein (p.Ala25Pro). This variant is present in population databases (rs768101924, gnomAD 0.003%). This variant has not been reported in the literature in individuals affected with SDHB-related conditions. ClinVar contains an entry for this variant (Variation ID: 459170). An algorithm developed to predict the effect of missense changes on protein structure and function (PolyPhen-2) suggests that this variant is likely to be tolerated. RNA analysis performed to evaluate the impact of this missense change on mRNA splicing indicates it does not significantly alter splicing (internal data). In summary, the available evidence is currently insufficient to determine the role of this variant in disease. Therefore, it has been classified as a Variant of Uncertain Significance.

Ambry Genetics
Classification: Uncertain significance for Hereditary cancer-predisposing syndrome. Last evaluated: 2024-11-02. Review status: criteria provided, single submitter. Criteria: Ambry Variant Classification Scheme 2023. Collection method: clinical testing. Allele origin: germline.
Comment: The p.A25P variant (also known as c.73G>C) is located in coding exon 2 of the SDHB gene. The alanine at codon 25 is replaced by proline, an amino acid with highly similar properties. This change occurs in the first base pair of coding exon 2. This amino acid position is conserved. In addition, the in silico prediction for this alteration is inconclusive. Since supporting evidence is limited at this time, the clinical significance of this alteration remains unclear.